The following is an entry in ClinVar:

ClinVar aggregate classification (germline): Uncertain significance. Review status: criteria provided, multiple submitters, no conflicts (2 of 4 stars). 2 submissions from 2 submitters: Uncertain significance (2). Last evaluated 2026-07-26.

Conditions:
POLD1-related polyposis and colorectal cancer syndrome (CRCS10). Also called: Colorectal cancer 10; Colorectal cancer, susceptibility to, 10; COLORECTAL CANCER, SUSCEPTIBILITY TO, ON CHROMOSOME 19q. Identifiers: Orphanet 220460, MedGen C2675481, MONDO:0012953, OMIM 612591.
Hereditary cancer-predisposing syndrome. Also called: Hereditary Cancer Syndrome; Hereditary neoplastic syndrome; Neoplastic Syndromes, Hereditary; Tumor predisposition. Identifiers: Orphanet 140162, MedGen C0027672, MeSH D009386, MONDO:0015356.

Submissions (2):

Ambry Genetics
Classification: Uncertain significance for Hereditary cancer-predisposing syndrome. Last evaluated: 2026-07-26. Review status: criteria provided, single submitter. Criteria: Ambry Variant Classification Scheme 2023. Collection method: clinical testing. Allele origin: germline.
Comment: The p.K414R variant (also known as c.1241A>G), located in coding exon 9 of the POLD1 gene, results from an A to G substitution at nucleotide position 1241. The lysine at codon 414 is replaced by arginine, an amino acid with highly similar properties. This amino acid position is conserved. In addition, this alteration is predicted to be tolerated by in silico analysis. Based on the available evidence, the clinical significance of this variant remains unclear.

Labcorp Genetics (formerly Invitae), Labcorp
Classification: Uncertain significance for POLD1-related polyposis and colorectal cancer syndrome. Last evaluated: 2025-01-29. Review status: criteria provided, single submitter. Criteria: Invitae Variant Classification Sherloc (09022015). Collection method: clinical testing. Allele origin: germline.
Comment: This sequence change replaces lysine, which is basic and polar, with arginine, which is basic and polar, at codon 414 of the POLD1 protein (p.Lys414Arg). This variant is not present in population databases (gnomAD no frequency). This variant has not been reported in the literature in individuals affected with POLD1-related conditions. ClinVar contains an entry for this variant (Variation ID: 2965084). An algorithm developed to predict the effect of missense changes on protein structure and function (PolyPhen-2) suggests that this variant is likely to be tolerated. In summary, the available evidence is currently insufficient to determine the role of this variant in disease. Therefore, it has been classified as a Variant of Uncertain Significance.

NM_002691.4(POLD1):c.1241A>G (p.Lys414Arg)

Gene: POLD1 (DNA polymerase delta 1, catalytic subunit; plus strand). Cytogenetic location: 19q13.33.
Variant type: single nucleotide variant.
Coding change: c.1241A>G on transcript NM_002691.4 (MANE Select); coding-DNA position 1241, A replaced by G.
Protein change: p.Lys414Arg; replaces lysine 414 with arginine.
Molecular consequence: missense variant. On other transcripts: non-coding transcript variant (1).
Genome position (GRCh38, 1-based): chr19:50,403,596, A>G. VCF-style: chr19-50403596-A-G. GRCh37 (hg19) VCF-style: chr19-50906853-A-G.
Other names: c.1241A>G, p.Lys414Arg (NM_001256849.1, NM_001308632.1); c.1241A>G (NM_002691.2); short protein forms K414R.
Identifiers: ClinVar variation 2965084 (VCV002965084.4), dbSNP rs2513977736, ClinGen allele CA406978647.
Genomic context (GRCh38, chr19:50,403,596, plus strand): 5'-CCGGTTACAACATCCAGAACTTCGACCTTCCGTACCTCATCTCTCGGGCCCAGACCCTCA[A>G]GGTGAGGGCTGGGCAGGTGGGAGGCTTCTCTCAGATGCCCCAGGTGTGGCCTCCGGGCCC-3'
Protein context (NP_002682.2, residues 404-424): PYLISRAQTL[Lys414Arg]VQTFPFLGRV